The following is an entry in ClinVar:

NM_001276345.2(TNNT2):c.774C>T (p.Phe258=)

Gene: TNNT2 (troponin T2, cardiac type; minus strand). Cytogenetic location: 1q32.1.
Variant type: single nucleotide variant.
Coding change: c.774C>T on transcript NM_001276345.2 (MANE Select); coding-DNA position 774, C replaced by T.
Protein change: p.Phe258=; no amino-acid change (phenylalanine 258 retained).
Molecular consequence: synonymous variant.
Genome position (GRCh38, 1-based): chr1:201,361,315, G>A on the plus strand (C>T on the coding strand, the complement: TNNT2 is on the minus strand). VCF-style: chr1-201361315-G-A. GRCh37 (hg19) VCF-style: chr1-201330443-G-A.
Other names: c.765C>T, p.Phe255= (NM_000364.4); c.744C>T, p.Phe248= (NM_001001430.3, NM_001276347.2); c.735C>T, p.Phe245= (NM_001001431.3); c.726C>T, p.Phe242= (NM_001001432.3); c.645C>T, p.Phe215= (NM_001276346.2).
Identifiers: ClinVar variation 43668 (VCV000043668.57), dbSNP rs397516481, ClinGen allele CA090066.

ClinVar aggregate classification (germline): Likely benign. Review status: criteria provided, multiple submitters, no conflicts (2 of 4 stars). 14 submissions from 12 submitters: Likely benign (13). 1 of the submissions does not count toward it. Last evaluated 2026-05-01.

Conditions:
TNNT2-related disorder. Also called: TNNT2-related condition.
Cardiovascular phenotype. Identifiers: MedGen CN230736.
Cardiomyopathy (CMYO). Also called: Cardiomyopathies. Identifiers: Orphanet 167848, MedGen C0878544, MONDO:0004994, HP:0001638. Inheritance: Various modes of inheritance.
Dilated cardiomyopathy 1D. Identifiers: Orphanet 154, Orphanet 54260, MedGen C1832243, MONDO:0011095, OMIM 601494.
Cardiomyopathy, familial restrictive, 3. Identifiers: Orphanet 75249, MedGen C2676271, MONDO:0012900, OMIM 612422.
Hypertrophic cardiomyopathy 2. Also called: TNNT2-Related Familial Hypertrophic Cardiomyopathy. Identifiers: MedGen C1861864, MONDO:0007266, OMIM 115195.

Allele frequency attached by ClinVar (database versions not stated): TOPMed 0.00005; ExAC 0.00007; gnomAD exomes 0.00007 and 0.00008; gnomAD 0.00009.
gnomAD v4.1: 123 of 1,614,110 alleles (0.0076%); highest among the groups gnomAD compares: Non-Finnish European, 0.0098%; 1 homozygote.

Submissions (14):

CeGaT Center for Human Genetics Tuebingen
Classification: Likely benign. Last evaluated: 2026-05-01. Review status: criteria provided, single submitter. Criteria: CeGaT Center For Human Genetics Tuebingen Variant Classification Criteria Version 2. Collection method: clinical testing. Allele origin: germline. Affected: yes. Observed: 3 variant alleles.
Comment: TNNT2: BP4, BP7

Women's Health and Genetics/Laboratory Corporation of America, LabCorp
Classification: Likely benign. Last evaluated: 2026-03-27. Review status: criteria provided, single submitter. Criteria: LabCorp Variant Classification Summary - May 2015. Collection method: clinical testing. Allele origin: germline.

Labcorp Genetics (formerly Invitae), Labcorp
Classification: Likely benign for Cardiomyopathy, familial restrictive, 3; Hypertrophic cardiomyopathy 2; Dilated cardiomyopathy 1D. Last evaluated: 2026-01-09. Review status: criteria provided, single submitter. Criteria: Invitae Variant Classification Sherloc (09022015). Collection method: clinical testing. Allele origin: germline.

Molecular Diagnostic Laboratory for Inherited Cardiovascular Disease, Montreal Heart Institute
Classification: Likely benign. Last evaluated: 2025-04-09. Review status: criteria provided, single submitter. Criteria: ACMG Guidelines, 2015. Collection method: clinical testing. Allele origin: germline. Affected: no.

Blueprint Genetics
Classification: Likely benign. Last evaluated: 2024-03-18. Review status: criteria provided, single submitter. Criteria: ACMG Guidelines, 2015. Collection method: clinical testing. Allele origin: germline.

All of Us Research Program, National Institutes of Health
Classification: Likely benign for Cardiomyopathy. Last evaluated: 2023-12-01. Review status: criteria provided, single submitter. Criteria: ACMG Guidelines, 2015. Collection method: clinical testing. Allele origin: germline. Inheritance: Autosomal dominant inheritance. Observed: 11 variant alleles, 11 heterozygotes.
Comment: This study involves interpretation of variants in research participants for the purpose of population health screening. Participant phenotype was not available at the time of variant classification. Additional details can be found in publication PMID: 35346344, PMCID: PMC8962531

Ambry Genetics
Classification: Likely benign for Cardiovascular phenotype. Last evaluated: 2023-06-01. Review status: criteria provided, single submitter. Criteria: Ambry Variant Classification Scheme 2023. Collection method: clinical testing. Allele origin: germline.

Genome-Nilou Lab
Classification: Likely benign for Dilated cardiomyopathy 1D. Last evaluated: 2023-04-11. Review status: criteria provided, single submitter. Criteria: ACMG Guidelines, 2015. Collection method: clinical testing. Allele origin: germline. Affected: no.

Genome-Nilou Lab
Classification: Likely benign for Cardiomyopathy, familial restrictive, 3. Last evaluated: 2023-04-11. Review status: criteria provided, single submitter. Criteria: ACMG Guidelines, 2015. Collection method: clinical testing. Allele origin: germline. Affected: no.

Genome-Nilou Lab
Classification: Likely benign for Hypertrophic cardiomyopathy 2. Last evaluated: 2023-04-11. Review status: criteria provided, single submitter. Criteria: ACMG Guidelines, 2015. Collection method: clinical testing. Allele origin: germline. Affected: no.

GeneDx
Classification: Likely benign. Last evaluated: 2019-10-11. Review status: criteria provided, single submitter. Criteria: GeneDx Variant Classification Process June 2021. Collection method: clinical testing. Allele origin: germline. Affected: yes.
Comment: This variant is associated with the following publications: (PMID: 30297972)

Color Diagnostics, LLC DBA Color Health
Classification: Likely benign for Cardiomyopathy. Last evaluated: 2018-11-25. Review status: criteria provided, single submitter. Criteria: ACMG Guidelines, 2015. Collection method: clinical testing. Allele origin: germline.

Laboratory for Molecular Medicine, Mass General Brigham Personalized Medicine
Classification: Likely benign. Last evaluated: 2008-03-01. Review status: criteria provided, single submitter. Criteria: LMM Criteria. Collection method: clinical testing. Allele origin: germline. Observed: 1 variant allele.

PreventionGenetics, part of Exact Sciences
Classification: Likely benign for TNNT2-related condition. Last evaluated: 2020-09-23. Review status: no assertion criteria provided. Collection method: clinical testing. Allele origin: germline. Not counted in ClinVar's aggregate classification.
Comment: This variant is classified as likely benign based on ACMG/AMP sequence variant interpretation guidelines (Richards et al. 2015 PMID: 25741868, with internal and published modifications).